The following is an entry in ClinVar:

ClinVar aggregate classification (germline): Likely pathogenic (1 of 4 stars; one submission).

Conditions:
Hereditary spastic paraplegia 45. Also called: SPASTIC PARAPLEGIA 45; Spastic paraplegia 45, autosomal recessive. Identifiers: Orphanet 320396, MedGen C3888209, MONDO:0013165, OMIM 613162.

Allele frequency attached by ClinVar (database versions not stated): gnomAD exomes below 0.00001; TOPMed 0.00001.
gnomAD v4.1: 6 of 1,613,418 alleles (0.00037%); highest among the groups gnomAD compares: Non-Finnish European, 0.00042%; no homozygotes.

Submission:

Labcorp Genetics (formerly Invitae), Labcorp
Classification: Likely pathogenic for Hereditary spastic paraplegia 45. Last evaluated: 2019-12-03. Review status: criteria provided, single submitter. Criteria: Invitae Variant Classification Sherloc (09022015). Collection method: clinical testing. Allele origin: germline.
Comment: This variant has not been reported in the literature in individuals with NT5C2-related disease. This variant is not present in population databases (ExAC no frequency). This sequence change affects a donor splice site in intron 17 of the NT5C2 gene. It is expected to disrupt RNA splicing and likely results in an absent or disrupted protein product. Algorithms developed to predict the effect of sequence changes on RNA splicing suggest that this variant may disrupt the consensus splice site, but this prediction has not been confirmed by published transcriptional studies. In summary, the currently available evidence indicates that the variant is pathogenic, but additional data are needed to prove that conclusively. Therefore, this variant has been classified as Likely Pathogenic. Donor and acceptor splice site variants typically lead to a loss of protein function (PMID: 16199547), and loss-of-function variants in NT5C2 are known to be pathogenic (PMID: 24482476).

Literature cited by the submitters: PubMed 16199547; PubMed 24482476.

NM_001351169.2(NT5C2):c.1272+1G>C

Gene: NT5C2 (5'-nucleotidase, cytosolic II; minus strand). Cytogenetic location: 10q24.32.
Variant type: single nucleotide variant.
Coding change: c.1272+1G>C on transcript NM_001351169.2 (MANE Select); the canonical splice donor site of the intron after coding-DNA position 1272, G replaced by C.
Molecular consequence: splice donor variant.
Genome position (GRCh38, 1-based): chr10:103,090,935, C>G on the plus strand (G>C on the coding strand, the complement: NT5C2 is on the minus strand). VCF-style: chr10-103090935-C-G. GRCh37 (hg19) VCF-style: chr10-104850692-C-G.
Other names: c.1272+1G>C (NM_001134373.3, NM_012229.5); c.699+1G>C (NM_001351184.2, NM_001351185.2, NM_001351177.2 and 16 more transcripts); c.1296+1G>C (NM_001351170.2, NM_001351171.2, NM_001351172.2 and 1 more transcripts); c.558+1G>C (NM_001351195.2, NM_001351196.2, NM_001351194.2); c.1179+1G>C (NM_001351175.2); c.1185+1G>C (NM_001351174.1).
Identifiers: ClinVar variation 579655 (VCV000579655.9), dbSNP rs1430860231, ClinGen allele CA377969274.